The following is an entry in ClinVar:

NM_001112741.2(KCNC1):c.497G>A (p.Gly166Asp)

Gene: KCNC1 (potassium voltage-gated channel subfamily C member 1; plus strand). Cytogenetic location: 11p15.1.
Variant type: single nucleotide variant.
Coding change: c.497G>A on transcript NM_001112741.2 (MANE Select); coding-DNA position 497, G replaced by A.
Protein change: p.Gly166Asp; replaces glycine 166 with aspartic acid.
Molecular consequence: missense variant.
Genome position (GRCh38, 1-based): chr11:17,736,499, G>A. VCF-style: chr11-17736499-G-A. GRCh37 (hg19) VCF-style: chr11-17758046-G-A.
Other names: c.497G>A, p.Gly166Asp (NM_004976.4); short protein forms G166D.
Identifiers: ClinVar variation 843064 (VCV000843064.10), dbSNP rs1848768219, ClinGen allele CA379801806.
Genomic context (GRCh38, chr11:17,736,499, plus strand): 5'-AGGACGAGCTGGAGATGACCAAGCGCCTGGCGCTCAGTGACTCCCCGGATGGCCGGCCTG[G>A]CGGCTTTTGGCGCCGCTGGCAGCCGCGCATCTGGGCGCTCTTCGAGGACCCGTACTCGTC-3'
Protein context (NP_001106212.1, residues 156-176): ALSDSPDGRP[Gly166Asp]GFWRRWQPRI

ClinVar aggregate classification (germline): Uncertain significance (1 of 4 stars; one submission).

Conditions:
Progressive myoclonic epilepsy type 7. Identifiers: Orphanet 435438, MedGen C4015420, MONDO:0014521, OMIM 616187.

Submission:

Labcorp Genetics (formerly Invitae), Labcorp
Classification: Uncertain significance for Progressive myoclonic epilepsy type 7. Last evaluated: 2019-04-25. Review status: criteria provided, single submitter. Criteria: Invitae Variant Classification Sherloc (09022015). Collection method: clinical testing. Allele origin: germline.
Comment: In summary, the available evidence is currently insufficient to determine the role of this variant in disease. Therefore, it has been classified as a Variant of Uncertain Significance. Algorithms developed to predict the effect of missense changes on protein structure and function are either unavailable or do not agree on the potential impact of this missense change (SIFT: "Deleterious"; PolyPhen-2: "Benign"; Align-GVGD: "Class C0"). This variant has not been reported in the literature in individuals with KCNC1-related conditions. This variant is not present in population databases (ExAC no frequency). This sequence change replaces glycine with aspartic acid at codon 166 of the KCNC1 protein (p.Gly166Asp). The glycine residue is highly conserved and there is a moderate physicochemical difference between glycine and aspartic acid.